The following is an entry in ClinVar:

NM_003872.3(NRP2):c.1001G>A (p.Arg334His)

Gene: NRP2 (neuropilin 2; plus strand). Cytogenetic location: 2q33.3.
Variant type: single nucleotide variant.
Coding change: c.1001G>A on transcript NM_003872.3 (MANE Select); coding-DNA position 1001, G replaced by A.
Protein change: p.Arg334His; replaces arginine 334 with histidine.
Molecular consequence: missense variant.
Genome position (GRCh38, 1-based): chr2:205,727,901, G>A. VCF-style: chr2-205727901-G-A. GRCh37 (hg19) VCF-style: chr2-206592625-G-A.
Other names: c.1001G>A, p.Arg334His (NM_018534.4, NM_201264.2, NM_201266.2 and 2 more transcripts); short protein forms R334H.
Identifiers: ClinVar variation 2628987 (VCV002628987.4), dbSNP rs769522962, ClinGen allele CA2068990.

ClinVar aggregate classification (germline): Uncertain significance. Review status: criteria provided, multiple submitters, no conflicts (2 of 4 stars). 2 submissions from 2 submitters: Uncertain significance (2). Last evaluated 2026-02-21.

Conditions:
NRP2-related disorder. Also called: NRP2-related condition.

Allele frequency attached by ClinVar (database versions not stated): gnomAD exomes 0.00001; TOPMed 0.00002; ExAC 0.00005.
gnomAD v4.1: 14 of 1,613,450 alleles (0.00087%); highest among the groups gnomAD compares: East Asian, 0.0089%; no homozygotes.

Submissions (2):

PreventionGenetics, part of Exact Sciences
Classification: Uncertain significance for NRP2-related condition. Last evaluated: 2026-02-21. Review status: criteria provided, single submitter. Criteria: ACMG Guidelines, 2015. Collection method: clinical testing. Allele origin: germline.
Comment: The NRP2 c.1001G>A variant is predicted to result in the amino acid substitution p.Arg334His. To our knowledge, this variant has not been reported in the literature. This variant is reported in 0.016% of alleles in individuals of East Asian descent in gnomAD. An alternative variant at the same codon p.Arg334Cys has been reported in an individual with lymphadema and assessed as likely benign (Michelini et al. 2020. PubMed ID: 33212964), in patient with Kallmann syndrome (Marcos et al. 2017. PubMed ID: 28334861) and together with causative variant in TCF12 in an individual with Isolated hypogonadotropic hypogonadism (Dwyer et al. 2023. PubMed ID: 36268624). At this time, the clinical significance of pArg334His variant is uncertain due to the absence of conclusive functional and genetic evidence.

Ambry Genetics
Classification: Uncertain significance. Last evaluated: 2024-10-07. Review status: criteria provided, single submitter. Criteria: Ambry Variant Classification Scheme 2023. Collection method: clinical testing. Allele origin: germline.